The following is an entry in ClinVar:

NM_001035.3(RYR2):c.13957G>T (p.Val4653Phe)

Gene: RYR2 (ryanodine receptor 2; plus strand). Cytogenetic location: 1q43.
Variant type: single nucleotide variant.
Coding change: c.13957G>T on transcript NM_001035.3 (MANE Select); coding-DNA position 13957, G replaced by T.
Protein change: p.Val4653Phe; replaces valine 4653 with phenylalanine.
Molecular consequence: missense variant.
Genome position (GRCh38, 1-based): chr1:237,798,037, G>T. VCF-style: chr1-237798037-G-T. GRCh37 (hg19) VCF-style: chr1-237961337-G-T.
Other names: c.13957G>T, p.Val4653Phe (LRG_402t1); short protein forms V4653F.
Identifiers: ClinVar variation 12961 (VCV000012961.8), dbSNP rs121918604, ClinGen allele CA008087.

ClinVar aggregate classification (germline): Pathogenic. Review status: criteria provided, multiple submitters, no conflicts (2 of 4 stars). 4 submissions from 4 submitters: Pathogenic (2). 2 of the submissions do not count toward it. Last evaluated 2023-05-12.

Conditions:
RYR2-related disorder. Also called: RYR2-related condition.
Catecholaminergic polymorphic ventricular tachycardia 1. Also called: RYR2-Related Catecholaminergic Polymorphic Ventricular Tachycardia; VENTRICULAR TACHYCARDIA, STRESS-INDUCED POLYMORPHIC 1; VENTRICULAR TACHYCARDIA, CATECHOLAMINERGIC POLYMORPHIC, 1, WITH OR WITHOUT ATRIAL DYSFUNCTION AND/OR DILATED CARDIOMYOPATHY. Identifiers: Orphanet 3286, MedGen C1631597, MONDO:0011484, OMIM 604772.

Submissions (4):

Blueprint Genetics
Classification: Pathogenic for RYR2-related disorders. Last evaluated: 2023-05-12. Review status: criteria provided, single submitter. Criteria: ACMG Guidelines, 2015. Collection method: clinical testing. Allele origin: germline. Affected: yes. Observed: 2 variant alleles.

Institute of Immunology and Genetics Kaiserslautern
Classification: Pathogenic for Catecholaminergic polymorphic ventricular tachycardia 1. Last evaluated: 2022-07-05. Review status: criteria provided, single submitter. Criteria: ACMG Guidelines, 2015. Collection method: clinical testing. Allele origin: germline. Affected: yes.
Comment: ACMG Criteria: PS3, PS4, PM2_P, PP1, PP3, PP4; Variant was found in heterozygous state.

OMIM
Classification: Pathogenic for VENTRICULAR TACHYCARDIA, CATECHOLAMINERGIC POLYMORPHIC, 1. Last evaluated: 2004-06-29. Review status: no assertion criteria provided. Collection method: literature only. Allele origin: germline. Not counted in ClinVar's aggregate classification.

GeneReviews
No classification provided. Condition: Catecholaminergic polymorphic ventricular tachycardia 1. Review status: no classification provided. Collection method: literature only. Allele origin: unknown. Not counted in ClinVar's aggregate classification.

Literature cited by the submitters: PubMed 11157710 (cited by OMIM); PubMed 15197150 (cited by OMIM); PubMed 21454795 (cited by GeneReviews); PubMed 20301466 (cited by GeneReviews); NCBI Bookshelf NBK1289 (cited by GeneReviews).